The following is an entry in ClinVar:

NM_001267550.2(TTN):c.105212C>G (p.Ser35071Cys)

Genes: TTN (titin; minus strand), TTN-AS1 (TTN antisense RNA 1; plus strand). Cytogenetic location: 2q31.2.
Variant type: single nucleotide variant.
Coding change: c.105212C>G on transcript NM_001267550.2 (MANE Select); coding-DNA position 105212, C replaced by G.
Protein change: p.Ser35071Cys; replaces serine 35071 with cysteine.
Molecular consequence: missense variant.
Genome position (GRCh38, 1-based): chr2:178,531,403, G>C on the plus strand (C>G on the coding strand, the complement: TTN is on the minus strand). VCF-style: chr2-178531403-G-C. GRCh37 (hg19) VCF-style: chr2-179396130-G-C.
Other names: c.78017C>G, p.Ser26006Cys (NM_003319.4); c.78392C>G, p.Ser26131Cys (NM_133432.3); c.78593C>G, p.Ser26198Cys (NM_133437.4); c.100289C>G, p.Ser33430Cys (NM_001256850.1); c.97508C>G, p.Ser32503Cys (NM_133378.4); short protein forms S32503C, S35071C, S33430C, S26198C, S26131C, S26006C.
Identifiers: ClinVar variation 177968 (VCV000177968.25), dbSNP rs3813249, ClinGen allele CA181087.

ClinVar aggregate classification (germline): Conflicting classifications of pathogenicity. Review status: criteria provided, conflicting classifications (1 of 4 stars). 11 submissions from 7 submitters: Uncertain significance (3); Benign (2); Likely benign (5). 1 of the submissions does not count toward it. Last evaluated 2026-05-15.

Conditions:
TTN-related disorder. Also called: TTN-related condition; TTN-related disease; TTN-related disorders.
Dilated cardiomyopathy 1G (CMD1G). Identifiers: Orphanet 154, MedGen C1858763, MONDO:0011400, OMIM 604145.
Autosomal recessive limb-girdle muscular dystrophy type 2J (LGMDR10). Also called: Limb-girdle muscular dystrophy, type 2J; MUSCULAR DYSTROPHY, LIMB-GIRDLE, AUTOSOMAL RECESSIVE 10. Identifiers: Orphanet 140922, MedGen C1837342, MONDO:0012127, OMIM 608807.
Myopathy, myofibrillar, 9, with early respiratory failure (MFM9). Also called: MYOPATHY, PROXIMAL, WITH EARLY RESPIRATORY MUSCLE INVOLVEMENT; Hereditary myopathy with early respiratory failure; Myopathy, distal, with early respiratory failure, autosomal dominant; EDSTROM MYOPATHY. Identifiers: Orphanet 34521, MedGen C1863599, MONDO:0011362, OMIM 603689, Orphanet 178464.
Tibial muscular dystrophy (TMD). Also called: Udd Distal Myopathy – Tibial Muscular Dystrophy; UDD MYOPATHY; Tibial muscular dystrophy, tardive. Identifiers: Orphanet 609, MedGen C1838244, MONDO:0010870, OMIM 600334.
Early-onset myopathy with fatal cardiomyopathy (CMYO5). Also called: Salih Myopathy; CONGENITAL MYOPATHY 5 WITH CARDIOMYOPATHY. Identifiers: Orphanet 289377, MedGen C2673677, MONDO:0012714, OMIM 611705. Disease mechanism: loss of function.

Allele frequency attached by ClinVar (database versions not stated): gnomAD 0.00002 and 0.00009; TOPMed 0.00003; gnomAD exomes 0.00018 and 0.00020; ExAC 0.00021; 1000 Genomes Project 30x 0.00078; 1000 Genomes Project 0.00100.
gnomAD v4.1: 296 of 1,614,026 alleles (0.018%); highest among the groups gnomAD compares: East Asian, 0.64%; 1 homozygote.

Submissions (12):

Women's Health and Genetics/Laboratory Corporation of America, LabCorp
Classification: Likely benign. Last evaluated: 2026-05-15. Review status: criteria provided, single submitter. Criteria: LabCorp Variant Classification Summary - May 2015. Collection method: clinical testing. Allele origin: germline.
Comment: Variant summary: TTN c.97508C>G (p.Ser32503Cys) results in a non-conservative amino acid change in the encoded protein sequence. Algorithms developed to predict the effect of missense changes on protein structure and function are either unavailable or do not agree on the potential impact of this missense change. The variant allele was found at a frequency of 0.00018 in 248950 control chromosomes, predominantly at a frequency of 0.0023 within the East Asian subpopulation in the gnomAD database. The observed variant frequency within East Asian control individuals in the gnomAD database exceeds the estimated maximal expected allele frequency for disease-causing variants in TTN. To our knowledge, no occurrence of c.97508C>G in individuals affected with TTN-related conditions and no experimental evidence demonstrating its impact on protein function have been reported. ClinVar contains an entry for this variant (Variation ID: 177968). Based on the evidence outlined above, the variant was classified as likely benign.

Labcorp Genetics (formerly Invitae), Labcorp
Classification: Likely benign for Dilated cardiomyopathy 1G; Autosomal recessive limb-girdle muscular dystrophy type 2J. Last evaluated: 2025-12-13. Review status: criteria provided, single submitter. Criteria: Invitae Variant Classification Sherloc (09022015). Collection method: clinical testing. Allele origin: germline.

Blueprint Genetics
Classification: Likely benign. Last evaluated: 2023-04-19. Review status: criteria provided, single submitter. Criteria: ACMG Guidelines, 2015. Collection method: clinical testing. Allele origin: germline.

GeneDx
Classification: Likely benign. Last evaluated: 2019-06-04. Review status: criteria provided, single submitter. Criteria: GeneDx Variant Classification Process June 2021. Collection method: clinical testing. Allele origin: germline. Affected: yes.

Illumina Laboratory Services, Illumina
Classification: Uncertain significance for Dilated cardiomyopathy 1G. Last evaluated: 2018-01-13. Review status: criteria provided, single submitter. Criteria: ICSL Variant Classification Criteria 13 December 2019. Collection method: clinical testing. Allele origin: germline.

Illumina Laboratory Services, Illumina
Classification: Benign for Myopathy, myofibrillar, 9, with early respiratory failure. Last evaluated: 2018-01-13. Review status: criteria provided, single submitter. Criteria: ICSL Variant Classification Criteria 13 December 2019. Collection method: clinical testing. Allele origin: germline.
Comment: This variant was observed in the ICSL laboratory as part of a predisposition screen in an ostensibly healthy population. It had not been previously curated by ICSL or reported in the Human Gene Mutation Database (HGMD: prior to June 1st, 2018), and was therefore a candidate for classification through an automated scoring system. Utilizing variant allele frequency, disease prevalence and penetrance estimates, and inheritance mode, an automated score was calculated to assess if this variant is too frequent to cause the disease. Based on the score and internal cut-off values, a variant classified as benign is not then subjected to further curation. The score for this variant resulted in a classification of benign for this disease.

Illumina Laboratory Services, Illumina
Classification: Benign for Tibial muscular dystrophy. Last evaluated: 2018-01-13. Review status: criteria provided, single submitter. Criteria: ICSL Variant Classification Criteria 13 December 2019. Collection method: clinical testing. Allele origin: germline.
Comment: the same text as in the submission from Illumina Laboratory Services, Illumina above.

Illumina Laboratory Services, Illumina
Classification: Uncertain significance for Early-onset myopathy with fatal cardiomyopathy. Last evaluated: 2018-01-13. Review status: criteria provided, single submitter. Criteria: ICSL Variant Classification Criteria 13 December 2019. Collection method: clinical testing. Allele origin: germline.

Illumina Laboratory Services, Illumina
Classification: Uncertain significance for Autosomal recessive limb-girdle muscular dystrophy type 2J. Last evaluated: 2018-01-13. Review status: criteria provided, single submitter. Criteria: ICSL Variant Classification Criteria 13 December 2019. Collection method: clinical testing. Allele origin: germline.

Laboratory for Molecular Medicine, Mass General Brigham Personalized Medicine
Classification: Likely benign. Last evaluated: 2014-10-02. Review status: criteria provided, single submitter. Criteria: LMM Criteria. Collection method: clinical testing. Allele origin: germline. Observed: 2 variant alleles.
Comment: p.Ser32503Cys in exon 307 of TTN: This variant is not expected to have clinical significance because it has been identified in 2.8% (5/178) of Japanese chromoso mes by the 1000 Genomes Project (dbSNP rs3813249).

PreventionGenetics, part of Exact Sciences
Classification: Likely benign for TTN-related condition. Last evaluated: 2020-08-31. Review status: no assertion criteria provided. Collection method: clinical testing. Allele origin: germline. Not counted in ClinVar's aggregate classification.
Comment: This variant is classified as likely benign based on ACMG/AMP sequence variant interpretation guidelines (Richards et al. 2015 PMID: 25741868, with internal and published modifications).

Dr. Peter K. Rogan Lab, Western University
No classification provided (evidence only). Condition: Gastric cancer. Review status: no classification provided. Collection method: in vitro. Allele origin: not applicable. Functional consequence: retained intron. Not counted in ClinVar's aggregate classification.